The following is an entry in ClinVar:

NM_000463.3(UGT1A1):c.877_890delinsA (p.Tyr293fs)

Genes: UGT1A1 (UDP glucuronosyltransferase family 1 member A1; plus strand), UGT1A (UDP glucuronosyltransferase family 1 member A complex locus; plus strand), UGT1A10 (UDP glucuronosyltransferase family 1 member A10; plus strand), UGT1A3 (UDP glucuronosyltransferase family 1 member A3; plus strand), UGT1A4 (UDP glucuronosyltransferase family 1 member A4; plus strand) and 5 more. Cytogenetic location: 2q37.1.
Variant type: Indel.
Coding change: c.877_890delinsA on transcript NM_000463.3 (MANE Select); coding-DNA positions 877 to 890, TACATTAATGCTTC replaced by A.
Protein change: p.Tyr293fs; shifts the reading frame from tyrosine 293.
Molecular consequence: frameshift variant.
Genome position (GRCh38, 1-based): chr2:233,767,046-233,767,059, TACATTAATGCTTC replaced by A. VCF-style: chr2-233767046-TACATTAATGCTTC-A. GRCh37 (hg19) VCF-style: chr2-234675692-TACATTAATGCTTC-A.
Other names: UGT1A1*2; 877(T>A)/878-890del; c.880_893delinsA, p.Tyr294fs (NM_019093.4, NM_007120.3, NM_019078.2); c.868_881delinsA, p.Tyr290fs (NM_019075.4, NM_021027.3, NM_019076.5 and 1 more transcripts); c.877_890delTACATTAATGCTTCinsA, p.Tyr293Metfs (NM_000463.2); c.877_890delinsA (NM_000463.2); c.874_887delinsA, p.Tyr292fs (NM_001072.4); c.73_86delinsA, p.Tyr25fs (NM_205862.3); short protein forms Y25fs, Y293fs, Y294fs, Y290fs, Y292fs.
Identifiers: ClinVar variation 12266 (VCV000012266.14), dbSNP rs587776761, ClinGen allele CA122006.
Genomic context (GRCh38, chr2:233,767,046, plus strand): 5'-CAAAGAATATGAGAAAAAATTAACTGAAAATTTTTCTTCTGGCTCTAGGAATTTGAAGCC[TACATTAATGCTTC>A]TGGAGAACATGGAATTGTGGTTTTCTCTTTGGGATCAATGGTCTCAGAAATTCCAGAGAA-3'

ClinVar aggregate classification (germline): Pathogenic. Review status: criteria provided, multiple submitters, no conflicts (2 of 4 stars). 6 submissions from 6 submitters: Pathogenic (4). 2 of the submissions do not count toward it. Last evaluated 2025-12-23.

Conditions:
UGT1A1-related disorder. Also called: UGT1A1-related disorders; UGT1A1-related condition.
Crigler-Najjar syndrome type 1. Also called: HYPERBILIRUBINEMIA, CRIGLER-NAJJAR TYPE I. Identifiers: Orphanet 79234, MedGen C0010324, MONDO:0021020, OMIM 218800.

Submissions (6):

PreventionGenetics, part of Exact Sciences
Classification: Pathogenic for UGT1A1-related condition. Last evaluated: 2025-12-23. Review status: criteria provided, single submitter. Criteria: ACMG Guidelines, 2015. Collection method: clinical testing. Allele origin: germline.
Comment: The UGT1A1 c.877_890delinsA variant is predicted to result in a frameshift and premature protein termination (p.Tyr293Metfs*69). This variant, referred to in the literature as a 13 bp deletion, 877T>A 878–890del, c.878_890delinsA, or c. 879_890delinsA, has been reported in the homozygous state or with a second UGT1A1 variant in individuals with Crigler-Najjar syndrome (Ritter et al. 1992. PubMed ID: 1634606; Sappal et al. 2002. PubMed ID: 11855932; Perretti et al. 2007. PubMed ID: 18058623). This variant has not been reported in a large population database (gnomAD), indicating it is rare. Frameshift variants in UGT1A1 are expected to be pathogenic. This variant is interpreted as pathogenic.

Labcorp Genetics (formerly Invitae), Labcorp
Classification: Pathogenic. Last evaluated: 2022-09-19. Review status: criteria provided, single submitter. Criteria: Invitae Variant Classification Sherloc (09022015). Collection method: clinical testing. Allele origin: germline.
Comment: This sequence change creates a premature translational stop signal (p.Tyr293Metfs*69) in the UGT1A1 gene. It is expected to result in an absent or disrupted protein product. Loss-of-function variants in UGT1A1 are known to be pathogenic (PMID: 23290513). This variant is not present in population databases (gnomAD no frequency). This premature translational stop signal has been observed in individual(s) with Crigler-Najjar syndrome (PMID: 1634606, 11855932, 18058623). This variant is also known as "13-nt deletion in exon 2 (877T > A 878–890del)," "878_890delinsA," or "879_890delinsA". For these reasons, this variant has been classified as Pathogenic.

Eurofins Ntd Llc (ga)
Classification: Pathogenic. Last evaluated: 2016-10-28. Review status: criteria provided, single submitter. Criteria: EGL Classification Definitions 2015. Collection method: clinical testing. Allele origin: germline. Observed: 1 variant allele, 1 heterozygote.

Kariminejad - Najmabadi Pathology & Genetics Center
Classification: Pathogenic for Crigler-Najjar syndrome type 1. Review status: criteria provided, single submitter. Criteria: ACMG Guidelines, 2015. Collection method: clinical testing. Allele origin: germline. Affected: no.

Neonatal Research Center, Shiraz University of Medical Science
Classification: Pathogenic for Crigler-Najjar syndrome type 1. Last evaluated: 2021-02-04. Review status: no assertion criteria provided. Collection method: research. Allele origin: germline. Inheritance: Autosomal recessive inheritance. Affected: yes. Observed: 1 variant allele, 1 homozygote. Not counted in ClinVar's aggregate classification.
Comment: The c.874_887delinsA variant is a null variant (frameshift) in the UGT1A1 gene. Loss-of-function mutation is a known mechanism of CNS-1. This variant is absent from controls in Exome Sequencing Project, 1000 Genomes Project, or Exome Aggregation Consortium. The c.874_887delinsA variant was well-established in vitro functional studies supportive of a damaging effect on the UGT1A1 gene product (Francoual et al.). This variant is assumed de novo, but without confirmation of paternity and maternity. Unconjugated serum bilirubin concentration increased and reached 28.1 mg/dL and didnâ€™t decrease significantly by phototherapy and phenobarbital administration.

OMIM
Classification: Pathogenic for CRIGLER-NAJJAR SYNDROME, TYPE I. Last evaluated: 1992-07-01. Review status: no assertion criteria provided. Collection method: literature only. Allele origin: germline. Not counted in ClinVar's aggregate classification.

Literature cited by the submitters: PubMed 23290513 (cited by Labcorp Genetics (formerly Invitae), Labcorp); PubMed 1634606 (cited by 3 submitters); PubMed 11855932 (cited by Labcorp Genetics (formerly Invitae), Labcorp); PubMed 18058623 (cited by Labcorp Genetics (formerly Invitae), Labcorp); PubMed 1692835 (cited by Neonatal Research Center, Shiraz University of Medical Science and OMIM).